The following is an entry in ClinVar:

NM_000059.4(BRCA2):c.8632+1G>A

Gene: BRCA2 (BRCA2 DNA repair associated; plus strand). Cytogenetic location: 13q13.1.
Variant type: single nucleotide variant.
Coding change: c.8632+1G>A on transcript NM_000059.4 (MANE Select); the canonical splice donor site of the intron after coding-DNA position 8632, G replaced by A.
Molecular consequence: splice donor variant.
Genome position (GRCh38, 1-based): chr13:32,371,101, G>A. VCF-style: chr13-32371101-G-A. GRCh37 (hg19) VCF-style: chr13-32945238-G-A.
Other names: IVS20+1G>A; c.8632+1G>A (NM_001406720.1); c.8536+1G>A (NM_001406719.1); c.3700+1G>A (NM_001406721.1); c.2215+1G>A (NM_001406722.1).
Identifiers: ClinVar variation 52638 (VCV000052638.20), dbSNP rs397507997, ClinGen allele CA025740.

ClinVar aggregate classification (germline): Pathogenic. Review status: reviewed by expert panel (3 of 4 stars). 7 submissions from 7 submitters: Pathogenic (1). 6 of the submissions do not count toward it. Last evaluated 2019-06-18.

Conditions:
Hereditary breast ovarian cancer syndrome. Also called: Hereditary breast and ovarian cancer syndrome; Hereditary breast and ovarian cancer; Hereditary breast and ovarian cancer syndrome (HBOC); Breast and ovarian cancer; Hereditary breast and/or ovarian cancer syndrome; BRCA1- and BRCA2-Associated Hereditary Breast and Ovarian Cancer. Identifiers: Orphanet 145, MedGen C0677776, MeSH D061325, MONDO:0003582. Disease mechanism: loss of function.
Breast-ovarian cancer, familial, susceptibility to, 2 (BROVCA2). Also called: BRCA2 Hereditary Breast and Ovarian Cancer. Identifiers: Orphanet 145, MedGen C2675520, MONDO:0012933, OMIM 612555. Disease mechanism: loss of function.
Hereditary cancer-predisposing syndrome. Also called: Neoplastic Syndromes, Hereditary; Tumor predisposition; Hereditary neoplastic syndrome; Hereditary Cancer Syndrome. Identifiers: Orphanet 140162, MedGen C0027672, MeSH D009386, MONDO:0015356.
Malignant tumor of urinary bladder. Also called: Urinary bladder cancer; Bladder cancer; Urinary Bladder Neoplasms. Identifiers: MedGen C0005684, MONDO:0001187, OMIM 109800.

Submissions (7):

Evidence-based Network for the Interpretation of Germline Mutant Alleles (ENIGMA)
Classification: Pathogenic for Breast-ovarian cancer, familial, susceptibility to, 2. Last evaluated: 2019-06-18. Review status: reviewed by expert panel. Criteria: ENIGMA BRCA1/2 Classification Criteria (2017-06-29). Collection method: curation. Allele origin: germline.
Comment: IARC class based on posterior probability from multifactorial likelihood analysis, thresholds for class as per Plon et al. 2008 (PMID: 18951446). Class 5 based on posterior probability = 0.998093

Labcorp Genetics (formerly Invitae), Labcorp
Classification: Pathogenic for Hereditary breast ovarian cancer syndrome. Last evaluated: 2024-04-08. Review status: criteria provided, single submitter. Criteria: Invitae Variant Classification Sherloc (09022015). Collection method: clinical testing. Allele origin: germline. Not counted in ClinVar's aggregate classification.
Comment: This sequence change affects a donor splice site in intron 20 of the BRCA2 gene. RNA analysis indicates that disruption of this splice site induces altered splicing and may result in an absent or disrupted protein product. This variant is not present in population databases (gnomAD no frequency). Disruption of this splice site has been observed in individual(s) with breast cancer (PMID: 12601471). This variant is also known as IVS20+1G>A. ClinVar contains an entry for this variant (Variation ID: 52638). Based on a multifactorial likelihood algorithm using genetic, in silico, and/or statistical data, this variant has been determined to have a high probability of being pathogenic (PMID: 31131967). Studies have shown that disruption of this splice site results in skipping of exon 20 and introduces a premature termination codon (PMID: 24212087, 29774201, 30101128, 30623411; Invitae). The resulting mRNA is expected to undergo nonsense-mediated decay. For these reasons, this variant has been classified as Pathogenic.

Ambry Genetics
Classification: Likely pathogenic for Hereditary cancer-predisposing syndrome. Last evaluated: 2023-10-31. Review status: criteria provided, single submitter. Criteria: Ambry Variant Classification Scheme 2023. Collection method: clinical testing. Allele origin: germline. Not counted in ClinVar's aggregate classification.
Comment: The c.8632+1G>A intronic variant results from a G to A substitution one nucleotide after coding exon 19 of the BRCA2 gene. This nucleotide position is highly conserved in available vertebrate species. In silico splice site analysis predicts that this alteration will weaken the native splice donor site and will result in the creation or strengthening of a novel splice donor site. RNA studies have demonstrated this alteration to result in transcripts that are expected to undergo nonsense-mediated mRNA decay (Ambry internal data; Brand&atilde;o RD et al. Int J Cancer, 2019 Jul;145:401-414; Whiley PJ et al. Clin Chem, 2014 Feb;60:341-52; Tesoriero AA et al. Hum Mutat, 2005 Nov;26:495). Of note, this alteration is sometimes referred to as IVS20+1G>A in the literature. This alteration was also classified as pathogenic in a multifactorial model of variant interpretation that incorporates co-segregation, family history, co-occurrence, tumor pathology, and case-control data (Parsons MT et al. Hum Mutat, 2019 Sep;40:1557-1578). Alterations that disrupt the canonical splice site are expected to cause aberrant splicing, resulting in an abnormal protein or a transcript that is subject to nonsense-mediated mRNA decay. As such, this alteration is classified as likely pathogenic.

Color Diagnostics, LLC DBA Color Health
Classification: Likely pathogenic for Hereditary cancer-predisposing syndrome. Last evaluated: 2019-04-17. Review status: criteria provided, single submitter. Criteria: ACMG Guidelines, 2015. Collection method: clinical testing. Allele origin: germline. Not counted in ClinVar's aggregate classification.

Consortium of Investigators of Modifiers of BRCA1/2 (CIMBA), c/o University of Cambridge
Classification: Pathogenic for Breast-ovarian cancer, familial, susceptibility to, 2. Last evaluated: 2015-10-02. Review status: criteria provided, single submitter. Criteria: CIMBA Mutation Classification guidelines May 2016. Collection method: clinical testing. Allele origin: germline. Not counted in ClinVar's aggregate classification.

Sharing Clinical Reports Project (SCRP)
Classification: Likely pathogenic for Breast-ovarian cancer, familial 2. Last evaluated: 2009-06-03. Review status: no assertion criteria provided. Collection method: clinical testing. Allele origin: germline. Not counted in ClinVar's aggregate classification.

Laboratory of Urology, Hospital Clinic de Barcelona
Classification: Pathogenic for Malignant tumor of urinary bladder. Review status: no assertion criteria provided. Collection method: research. Allele origin: somatic. Affected: yes. Not counted in ClinVar's aggregate classification.

Literature cited by the submitters: PubMed 31131967 (cited by 3 submitters); PubMed 12601471 (cited by Labcorp Genetics (formerly Invitae), Labcorp); PubMed 24212087 (cited by Labcorp Genetics (formerly Invitae), Labcorp and Ambry Genetics); PubMed 29774201 (cited by Labcorp Genetics (formerly Invitae), Labcorp); PubMed 30101128 (cited by Labcorp Genetics (formerly Invitae), Labcorp); PubMed 30623411 (cited by Labcorp Genetics (formerly Invitae), Labcorp and Ambry Genetics); PubMed 16211554 (cited by Ambry Genetics).